The following is an entry in ClinVar:

NM_001077653.2(TBX20):c.967G>A (p.Val323Ile)

Gene: TBX20 (T-box transcription factor 20; minus strand). Cytogenetic location: 7p14.2.
Variant type: single nucleotide variant.
Coding change: c.967G>A on transcript NM_001077653.2 (MANE Select); coding-DNA position 967, G replaced by A.
Protein change: p.Val323Ile; replaces valine 323 with isoleucine.
Molecular consequence: missense variant.
Genome position (GRCh38, 1-based): chr7:35,204,506, C>T on the plus strand (G>A on the coding strand, the complement: TBX20 is on the minus strand). VCF-style: chr7-35204506-C-T. GRCh37 (hg19) VCF-style: chr7-35244118-C-T.
Other names: short protein forms V323I.
Identifiers: ClinVar variation 3630573 (VCV003630573.2).

ClinVar aggregate classification (germline): Uncertain significance (1 of 4 stars; one submission).

gnomAD v4.1: 1 of 1,614,156 alleles (0.000062%); highest among the groups gnomAD compares: Non-Finnish European, 0.000085%; no homozygotes.

Submission:

Labcorp Genetics (formerly Invitae), Labcorp
Classification: Uncertain significance. Last evaluated: 2025-01-22. Review status: criteria provided, single submitter. Criteria: Invitae Variant Classification Sherloc (09022015). Collection method: clinical testing. Allele origin: germline.
Comment: This sequence change replaces valine, which is neutral and non-polar, with isoleucine, which is neutral and non-polar, at codon 323 of the TBX20 protein (p.Val323Ile). This variant is not present in population databases (gnomAD no frequency). This variant has not been reported in the literature in individuals affected with TBX20-related conditions. Invitae Evidence Modeling of protein sequence and biophysical properties (such as structural, functional, and spatial information, amino acid conservation, physicochemical variation, residue mobility, and thermodynamic stability) indicates that this missense variant is not expected to disrupt TBX20 protein function with a negative predictive value of 80%. In summary, the available evidence is currently insufficient to determine the role of this variant in disease. Therefore, it has been classified as a Variant of Uncertain Significance.